The following is an entry in ClinVar:

NM_000016.6(ACADM):c.587G>A (p.Gly196Glu)

Gene: ACADM (acyl-CoA dehydrogenase medium chain; plus strand). Cytogenetic location: 1p31.1.
Variant type: single nucleotide variant.
Coding change: c.587G>A on transcript NM_000016.6 (MANE Select); coding-DNA position 587, G replaced by A.
Protein change: p.Gly196Glu; replaces glycine 196 with glutamic acid.
Molecular consequence: missense variant.
Genome position (GRCh38, 1-based): chr1:75,740,098, G>A. VCF-style: chr1-75740098-G-A. GRCh37 (hg19) VCF-style: chr1-76205783-G-A.
Other names: c.599G>A, p.Gly200Glu (NM_001127328.3); c.479G>A, p.Gly160Glu (NM_001286042.2); c.686G>A, p.Gly229Glu (NM_001286043.2); c.20G>A, p.Gly7Glu (NM_001286044.2); short protein forms G160E, G196E, G200E, G229E, G7E.
Identifiers: ClinVar variation 4815232 (VCV004815232.1).

ClinVar aggregate classification (germline): Likely pathogenic (1 of 4 stars; one submission).

Conditions:
Medium-chain acyl-coenzyme A dehydrogenase deficiency (ACADMD). Also called: MCAD Deficiency; CARNITINE DEFICIENCY SECONDARY TO MEDIUM-CHAIN ACYL-CoA DEHYDROGENASE DEFICIENCY; MCADH DEFICIENCY; ACADM DEFICIENCY; MCADD; Medium chain acyl-CoA dehydrogenase deficiency. Identifiers: Orphanet 42, MedGen C0220710, MONDO:0008721, OMIM 201450.

Submission:

Natera, Inc.
Classification: Likely pathogenic for Medium Chain Acyl-CoA Dehydrogenase Deficiency. Last evaluated: 2024-03-18. Review status: criteria provided, single submitter. Criteria: Natera Variant Classification Schema (03/2026). Collection method: clinical testing. Allele origin: germline.
Comment: The c.587G>A variant in ACADM is a missense variant predicted to cause substitution of glycine to glutamic acid at amino acid 196. This variant is rare in the general population with a frequency below the threshold expected for the associated phenotype(s). This variant has been observed in one or more individuals affected with the associated recessive disease, as either homozygous or compound heterozygous with a second variant (PMID: 33841490, 36068006, 20434380). Computational prediction algorithms indicate this variant is likely to affect gene or protein function. Given the available evidence, this variant is classified as Likely Pathogenic.

Literature cited by the submitters: PubMed 33841490; PubMed 36068006; PubMed 20434380.